The following is an entry in ClinVar:

ClinVar aggregate classification (germline): Uncertain significance (1 of 4 stars; one submission).

Conditions:
Intellectual disability. Also called: Intellectual functioning disability; intellectual disabilities; Intellectual developmental disorder. Identifiers: MedGen C3714756, MeSH D008607, MONDO:0001071, HP:0001249.

gnomAD v4.1: 92 of 1,614,176 alleles (0.0057%); highest among the groups gnomAD compares: African/African-American, 0.011%; no homozygotes.

Submission:

Clinical Genetics Laboratory, Skane University Hospital Lund
Classification: Uncertain significance for Intellectual disability. Last evaluated: 2026-06-02. Review status: criteria provided, single submitter. Criteria: ACMG Guidelines, 2015. Collection method: clinical testing. Allele origin: biparental. Inheritance: Autosomal recessive inheritance. Affected: yes.
Comment: Detected in a homozygous state. ACMG criteria applied: PM2.

NM_005763.4(AASS):c.2620G>A (p.Val874Met)

Gene: AASS (aminoadipate-semialdehyde synthase; minus strand). Cytogenetic location: 7q31.32.
Variant type: single nucleotide variant.
Coding change: c.2620G>A on transcript NM_005763.4 (MANE Select); coding-DNA position 2620, G replaced by A.
Protein change: p.Val874Met; replaces valine 874 with methionine.
Molecular consequence: missense variant.
Genome position (GRCh38, 1-based): chr7:122,077,880, C>T on the plus strand (G>A on the coding strand, the complement: AASS is on the minus strand). VCF-style: chr7-122077880-C-T. GRCh37 (hg19) VCF-style: chr7-121717934-C-T.
Other names: short protein forms V874M.
Identifiers: ClinVar variation 4852468 (VCV004852468.1).
Genomic context (GRCh38, chr7:122,077,880, plus strand): 5'-TCAAATGAACAGACTTACCATCAAGCAACATTTTGGCTGCCATGGCGGTGGGTAACCCCA[C>T]GGTTTTAGCCATGGCTGAAAAGCCATTGATGTCCCCATAAGCCACAAGATCAATCGTTTT-3'
Protein context (NP_005754.2, residues 864-884): INGFSAMAKT[Val874Met]GLPTAMAAKM